The following is an entry in ClinVar:

ClinVar aggregate classification (germline): Likely pathogenic (1 of 4 stars; one submission).

Submission:

Labcorp Genetics (formerly Invitae), Labcorp
Classification: Likely pathogenic. Last evaluated: 2023-07-21. Review status: criteria provided, single submitter. Criteria: Invitae Variant Classification Sherloc (09022015). Collection method: clinical testing. Allele origin: germline.
Comment: In summary, the currently available evidence indicates that the variant is pathogenic, but additional data are needed to prove that conclusively. Therefore, this variant has been classified as Likely Pathogenic. Algorithms developed to predict the effect of sequence changes on RNA splicing suggest that this variant may disrupt the consensus splice site. This variant has not been reported in the literature in individuals affected with C7-related conditions. This variant is not present in population databases (gnomAD no frequency). This sequence change affects a donor splice site in intron 14 of the C7 gene. It is expected to disrupt RNA splicing. Variants that disrupt the donor or acceptor splice site typically lead to a loss of protein function (PMID: 16199547), and loss-of-function variants in C7 are known to be pathogenic (PMID: 9856499, 17407100).

Literature cited by the submitters: PubMed 16199547; PubMed 9856499; PubMed 17407100.

NM_000587.4(C7):c.1882+1G>A

Gene: C7 (complement C7; plus strand). Cytogenetic location: 5p13.1.
Variant type: single nucleotide variant.
Coding change: c.1882+1G>A on transcript NM_000587.4 (MANE Select); the canonical splice donor site of the intron after coding-DNA position 1882, G replaced by A.
Molecular consequence: splice donor variant.
Genome position (GRCh38, 1-based): chr5:40,964,874, G>A. VCF-style: chr5-40964874-G-A. GRCh37 (hg19) VCF-style: chr5-40964976-G-A.
Identifiers: ClinVar variation 2885412 (VCV002885412.3), dbSNP rs112844696, ClinGen allele CA117228086.
Genomic context (GRCh38, chr5:40,964,874, plus strand): 5'-ACCCAGTGGCCAGATGTGGAGAAGATTTACGGTGGCTTGTTGGGGAAATGCATTGTCAGA[G>A]TGAGTGGCGTCAGTTGTATATAATTTAAGATGAGAAAATTACGTGGAAGAGAATGAATCA-3'